The following is an entry in ClinVar:

NM_000719.7(CACNA1C):c.850A>G (p.Ile284Val)

Gene: CACNA1C (calcium voltage-gated channel subunit alpha1 C; plus strand). Cytogenetic location: 12p13.33.
Variant type: single nucleotide variant.
Coding change: c.850A>G on transcript NM_000719.7 (MANE Select); coding-DNA position 850, A replaced by G.
Protein change: p.Ile284Val; replaces isoleucine 284 with valine.
Molecular consequence: missense variant.
Genome position (GRCh38, 1-based): chr12:2,486,196, A>G. VCF-style: chr12-2486196-A-G. GRCh37 (hg19) VCF-style: chr12-2595362-A-G.
Other names: c.850A>G, p.Ile284Val (NM_001129827.2, NM_001129829.2, NM_001129830.3 and 19 more transcripts); short protein forms I284V.
Identifiers: ClinVar variation 3232246 (VCV003232246.3), dbSNP rs1188326200, ClinGen allele CA383369448.

ClinVar aggregate classification (germline): Uncertain significance. Review status: criteria provided, multiple submitters, no conflicts (2 of 4 stars). 3 submissions from 3 submitters: Uncertain significance (3). Last evaluated 2025-03-31.

Conditions:
Long QT syndrome (LQTS). Identifiers: MedGen C0023976, MeSH D008133, MONDO:0002442. Disease mechanism: loss of function. Inheritance: Various modes of inheritance.
Cardiovascular phenotype. Identifiers: MedGen CN230736.

Allele frequency attached by ClinVar (database versions not stated): gnomAD exomes below 0.00001; gnomAD 0.00001.
gnomAD v4.1: 3 of 1,613,650 alleles (0.00019%); highest among the groups gnomAD compares: Admixed American, 0.005%; no homozygotes.

Submissions (3):

Labcorp Genetics (formerly Invitae), Labcorp
Classification: Uncertain significance for Long QT syndrome. Last evaluated: 2025-03-31. Review status: criteria provided, single submitter. Criteria: Invitae Variant Classification Sherloc (09022015). Collection method: clinical testing. Allele origin: germline.
Comment: This sequence change replaces isoleucine, which is neutral and non-polar, with valine, which is neutral and non-polar, at codon 284 of the CACNA1C protein (p.Ile284Val). This variant is present in population databases (no rsID available, gnomAD 0.1%). This variant has not been reported in the literature in individuals affected with CACNA1C-related conditions. ClinVar contains an entry for this variant (Variation ID: 3232246). Invitae Evidence Modeling of protein sequence and biophysical properties (such as structural, functional, and spatial information, amino acid conservation, physicochemical variation, residue mobility, and thermodynamic stability) indicates that this missense variant is not expected to disrupt CACNA1C protein function with a negative predictive value of 80%. In summary, the available evidence is currently insufficient to determine the role of this variant in disease. Therefore, it has been classified as a Variant of Uncertain Significance.

GeneDx
Classification: Uncertain significance. Last evaluated: 2024-08-31. Review status: criteria provided, single submitter. Criteria: GeneDx Variant Classification Process June 2021. Collection method: clinical testing. Allele origin: germline. Affected: yes.
Comment: Not observed at significant frequency in large population cohorts (gnomAD); In silico analysis indicates that this missense variant does not alter protein structure/function; Has not been previously published as pathogenic or benign to our knowledge

Ambry Genetics
Classification: Uncertain significance for Cardiovascular phenotype. Last evaluated: 2022-10-14. Review status: criteria provided, single submitter. Criteria: Ambry Variant Classification Scheme 2023. Collection method: clinical testing. Allele origin: germline.
Comment: The p.I284V variant (also known as c.850A>G), located in coding exon 6 of the CACNA1C gene, results from an A to G substitution at nucleotide position 850. The isoleucine at codon 284 is replaced by valine, an amino acid with highly similar properties. This amino acid position is highly conserved in available vertebrate species. In addition, this alteration is predicted to be deleterious by in silico analysis. Since supporting evidence is limited at this time, the clinical significance of this alteration remains unclear.